The following is an entry in ClinVar:

NM_017514.5(PLXNA3):c.2721G>C (p.Pro907=)

Gene: PLXNA3 (plexin A3; plus strand). Cytogenetic location: Xq28.
Variant type: single nucleotide variant.
Coding change: c.2721G>C on transcript NM_017514.5 (MANE Select); coding-DNA position 2721, G replaced by C.
Protein change: p.Pro907=; no amino-acid change (proline 907 retained).
Molecular consequence: synonymous variant.
Genome position (GRCh38, 1-based): chrX:154,466,192, G>C. VCF-style: chrX-154466192-G-C. GRCh37 (hg19) VCF-style: chrX-153694535-G-C.
Identifiers: ClinVar variation 726401 (VCV000726401.6), dbSNP rs145476494, ClinGen allele CA10564461.
Genomic context (GRCh38, chrX:154,466,192, plus strand): 5'-ACGCTCTCTGAGCCCTAGGATCGTGTGTGAGATGGAGGAGTCGCTGGTGCCCAGCCCGCC[G>C]CCGGGGCCCGTGGAGCTGTGTGTGGGTGACTGTTCAGCCGACTTCCGCACGCAGTCGGAG-3'
Protein context (NP_059984.3, residues 897-917): EMEESLVPSP[Pro907=]PGPVELCVGD

ClinVar aggregate classification (germline): Likely benign. Review status: criteria provided, single submitter (1 of 4 stars). 2 submissions from 2 submitters: Likely benign (1). 1 of the submissions does not count toward it. Last evaluated 2019-12-31.

Conditions:
PLXNA3-related disorder. Also called: PLXNA3-related condition.

Allele frequency attached by ClinVar (database versions not stated): TOPMed 0.00088; ESP Exome Variant Server 0.00114.
gnomAD v4.1: 1,565 of 1,208,612 alleles (0.13%); highest among the groups gnomAD compares: Non-Finnish European, 0.16%; 1 homozygote.

Submissions (2):

Labcorp Genetics (formerly Invitae), Labcorp
Classification: Likely benign. Last evaluated: 2019-12-31. Review status: criteria provided, single submitter. Criteria: Invitae Variant Classification Sherloc (09022015). Collection method: clinical testing. Allele origin: germline.

PreventionGenetics, part of Exact Sciences
Classification: Likely benign for PLXNA3-related condition. Last evaluated: 2019-06-21. Review status: no assertion criteria provided. Collection method: clinical testing. Allele origin: germline. Not counted in ClinVar's aggregate classification.
Comment: This variant is classified as likely benign based on ACMG/AMP sequence variant interpretation guidelines (Richards et al. 2015 PMID: 25741868, with internal and published modifications).